The following is an entry in ClinVar:

ClinVar aggregate classification (germline): Uncertain significance (1 of 4 stars; one submission).

Conditions:
Periventricular heterotopia with microcephaly, autosomal recessive (ARPHM). Also called: Periventricular heterotopia with microcephaly; PERIVENTRICULAR NODULAR HETEROTOPIA 2. Identifiers: Orphanet 2149, MedGen C1842563, MONDO:0011966, OMIM 608097.

Submission:

Juno Genomics, Hangzhou Juno Genomics, Inc
Classification: Uncertain significance for Periventricular heterotopia with microcephaly, autosomal recessive. Review status: criteria provided, single submitter. Criteria: ACMG Guidelines, 2015. Collection method: clinical testing. Allele origin: germline.
Comment: Absent from controls (or at extremely low frequency if recessive) in Genome Aggregation Database.;Missense variant in a gene that has a low rate of benign missense variation.

NM_006420.3(ARFGEF2):c.344T>G (p.Ile115Ser)

Gene: ARFGEF2 (ARF guanine nucleotide exchange factor 2; plus strand). Cytogenetic location: 20q13.13.
Variant type: single nucleotide variant.
Coding change: c.344T>G on transcript NM_006420.3 (MANE Select); coding-DNA position 344, T replaced by G.
Protein change: p.Ile115Ser; replaces isoleucine 115 with serine.
Molecular consequence: missense variant.
Genome position (GRCh38, 1-based): chr20:48,951,390, T>G. VCF-style: chr20-48951390-T-G. GRCh37 (hg19) VCF-style: chr20-47567927-T-G.
Other names: c.344T>G, p.Ile115Ser (NM_001410846.1); short protein forms I115S.
Identifiers: ClinVar variation 5006383 (VCV005006383.2).